The following is an entry in ClinVar:

ClinVar aggregate classification (germline): Benign/Likely benign. Review status: criteria provided, multiple submitters, no conflicts (2 of 4 stars). 2 submissions from 2 submitters: Benign (1); Likely benign (1). Last evaluated 2025-07-01.

gnomAD v4.1: 3,672 of 1,613,418 alleles (0.23%); highest among the groups gnomAD compares: Non-Finnish European, 0.28%; 4 homozygotes.

Submissions (2):

CeGaT Center for Human Genetics Tuebingen
Classification: Benign. Last evaluated: 2025-07-01. Review status: criteria provided, single submitter. Criteria: CeGaT Center For Human Genetics Tuebingen Variant Classification Criteria Version 2. Collection method: clinical testing. Allele origin: germline. Affected: yes. Observed: 1 variant allele.
Comment: ATXN1: BS1, BS2

Blueprint Genetics
Classification: Likely benign. Last evaluated: 2024-11-07. Review status: criteria provided, single submitter. Criteria: ACMG Guidelines, 2015. Collection method: clinical testing. Allele origin: germline.

NM_001128164.2(ATXN1):c.327G>A (p.Pro109=)

Gene: ATXN1 (ataxin 1; minus strand). Cytogenetic location: 6p22.3.
Variant type: single nucleotide variant.
Coding change: c.327G>A on transcript NM_001128164.2 (MANE Select); coding-DNA position 327, G replaced by A.
Protein change: p.Pro109=; no amino-acid change (proline 109 retained).
Molecular consequence: synonymous variant. On other transcripts: missense variant (1).
Genome position (GRCh38, 1-based): chr6:16,327,984, C>T on the plus strand (G>A on the coding strand, the complement: ATXN1 is on the minus strand). VCF-style: chr6-16327984-C-T. GRCh37 (hg19) VCF-style: chr6-16328215-C-T.
Other names: c.298G>A, p.Ala100Thr (NM_001357857.2); c.327G>A, p.Pro109= (NM_000332.4); short protein forms A100T.
Identifiers: ClinVar variation 4083756 (VCV004083756.9).